The following is an entry in ClinVar:

NM_000053.4(ATP7B):c.3562C>T (p.Leu1188Phe)

Gene: ATP7B (ATPase copper transporting beta; minus strand). Cytogenetic location: 13q14.3.
Variant type: single nucleotide variant.
Coding change: c.3562C>T on transcript NM_000053.4 (MANE Select); coding-DNA position 3562, C replaced by T.
Protein change: p.Leu1188Phe; replaces leucine 1188 with phenylalanine.
Molecular consequence: missense variant.
Genome position (GRCh38, 1-based): chr13:51,939,188, G>A on the plus strand (C>T on the coding strand, the complement: ATP7B is on the minus strand). VCF-style: chr13-51939188-G-A. GRCh37 (hg19) VCF-style: chr13-52513324-G-A.
Other names: c.3076C>T, p.Leu1026Phe (NM_001406542.1, NM_001406541.1); c.3070C>T, p.Leu1024Phe (NM_001406543.1); c.2980C>T, p.Leu994Phe (NM_001406544.1); c.2914C>T, p.Leu972Phe (NM_001406545.1); c.2881C>T, p.Leu961Phe (NM_001406546.1); c.2719C>T, p.Leu907Phe (NM_001406547.1); c.2272C>T, p.Leu758Phe (NM_001406548.1); c.3133C>T, p.Leu1045Phe (NM_001406539.1); and 20 more; short protein forms L1024F, L1026F, L1039F, L1045F, L1062F, L1075F, L1077F, L1078F.
Identifiers: ClinVar variation 2679797 (VCV002679797.4), dbSNP rs1432190775, ClinGen allele CA388024828.
Genomic context (GRCh38, chr13:51,939,188, plus strand): 5'-TGTGCACAGCCAGGGCAGCCTCCTGCTTGACAGCGTCTGCGATTGCGATCATCCCACAGA[G>A]CACACCTGGAGCGAACCAGCCAGCATCAGCAGCTACACAAGTTGGGGCACCCCGCACCAA-3'
Protein context (NP_000044.2, residues 1178-1198): TAILVAIDGV[Leu1188Phe]CGMIAIADAV

ClinVar aggregate classification (germline): Conflicting classifications of pathogenicity. Review status: criteria provided, conflicting classifications (1 of 4 stars). 4 submissions from 4 submitters: Pathogenic (1); Likely pathogenic (1); Uncertain significance (2). Last evaluated 2024-06-09.

Conditions:
Wilson disease (WND). Also called: Wilson's disease. Identifiers: Orphanet 905, MedGen C0019202, MONDO:0010200, OMIM 277900. Disease mechanism: loss of function.

Submissions (4):

All of Us Research Program, National Institutes of Health
Classification: Uncertain significance for Wilson disease. Last evaluated: 2024-06-09. Review status: criteria provided, single submitter. Criteria: ACMG Guidelines, 2015. Collection method: clinical testing. Allele origin: germline. Inheritance: Autosomal recessive inheritance. Observed: 1 variant allele, 1 heterozygote.
Comment: This missense variant replaces leucine with phenylalanine at codon 1188 of the ATP7B protein. Computational prediction suggests that this variant may have deleterious impact on protein structure and function. To our knowledge, functional studies have not been reported for this variant. This variant has been observed in two individuals affected with autosomal recessive Wilson disease; one individual carried a second variant of uncertain significance in unknown phase (PMID: 36253962) and the other individual was confirmed to carry this variant in compound heterozygosity with a pathogenic variant (DOI: 10.21203/rs.3.rs-1326118/v1), indicating that this variant contributes to disease. This variant has been identified in 1/248690 chromosomes in the general population by the Genome Aggregation Database (gnomAD). The available evidence is insufficient to determine the role of this variant in disease conclusively. Therefore, this variant is classified as a Variant of Uncertain Significance.

This study involves interpretation of variants in research participants for the purpose of population health screening. Participant phenotype was not available at the time of variant classification. Additional details can be found in publication PMID: 35346344, PMCID: PMC8962531

Chongqing Key Laboratory of Child Rare Diseases in Infection and Immunity, Children’s Hospital of Chongqing Medical University
Classification: Uncertain significance for Wilson disease. Last evaluated: 2024-01-01. Review status: criteria provided, single submitter. Criteria: ACMG Guidelines, 2015. Collection method: clinical testing. Allele origin: germline. Inheritance: Autosomal recessive inheritance. Affected: yes.
Comment: Classified as Uncertain significance according to the ACMG/AMP 2015 guidelines (PMID:25741868). The classification was based on the available submitted evidence for Wilson disease (OMIM:277900), including clinical-testing observations, variant consequence/protein annotation, and published or ClinVar evidence where available. Supporting information considered: variant annotation: p.Leu1188Phe; Missense; Protein domain: N-domain-enriched; submitted notation: NM_000053.4:c.3562C>T (p.Leu1188Phe); source variant type: Missense; source domain: N-domain-enriched; allele count n=230: 2.

Fulgent Genetics
Classification: Pathogenic for Wilson disease. Last evaluated: 2023-12-28. Review status: criteria provided, single submitter. Criteria: ACMG Guidelines, 2015. Collection method: clinical testing. Allele origin: germline.

Baylor Genetics
Classification: Likely pathogenic for Wilson disease. Last evaluated: 2023-07-12. Review status: criteria provided, single submitter. Criteria: ACMG Guidelines, 2015. Collection method: clinical testing. Allele origin: unknown.

Literature cited by the submitters: PubMed 36253962 (cited by All of Us Research Program, National Institutes of Health).